The following is an entry in ClinVar:

NM_001142966.3(GREB1L):c.4198T>C (p.Tyr1400His)

Gene: GREB1L (GREB1 like retinoic acid receptor coactivator; plus strand). Cytogenetic location: 18q11.2.
Variant type: single nucleotide variant.
Coding change: c.4198T>C on transcript NM_001142966.3 (MANE Select); coding-DNA position 4198, T replaced by C.
Protein change: p.Tyr1400His; replaces tyrosine 1400 with histidine.
Molecular consequence: missense variant.
Genome position (GRCh38, 1-based): chr18:21,505,537, T>C. VCF-style: chr18-21505537-T-C. GRCh37 (hg19) VCF-style: chr18-19085498-T-C.
Other names: c.4327T>C, p.Tyr1443His (NM_001410867.1); c.3871T>C, p.Tyr1291His (NM_001410868.1); short protein forms Y1443H, Y1291H, Y1400H.
Identifiers: ClinVar variation 5000440 (VCV005000440.1).

ClinVar aggregate classification (germline): Uncertain significance (1 of 4 stars; one submission).

Conditions:
GREB1L-related disorder. Also called: GREB1L-related condition.

Submission:

PreventionGenetics, part of Exact Sciences
Classification: Uncertain significance for GREB1L-related condition. Last evaluated: 2025-06-18. Review status: criteria provided, single submitter. Criteria: ACMG Guidelines, 2015. Collection method: clinical testing. Allele origin: germline.
Comment: The GREB1L c.4198T>C variant is predicted to result in the amino acid substitution p.Tyr1400His. To our knowledge, this variant has not been reported in the literature or in a large population database (gnomAD), indicating this variant is rare. At this time, the clinical significance of this variant is uncertain due to the absence of conclusive functional and genetic evidence.